The following is an entry in ClinVar:

NM_000481.4(AMT):c.697-1G>A

Gene: AMT (aminomethyltransferase; minus strand). Cytogenetic location: 3p21.31.
Variant type: single nucleotide variant.
Coding change: c.697-1G>A on transcript NM_000481.4 (MANE Select); the canonical splice acceptor site of the intron before coding-DNA position 697, G replaced by A.
Molecular consequence: splice acceptor variant.
Genome position (GRCh38, 1-based): chr3:49,419,152, C>T on the plus strand (G>A on the coding strand, the complement: AMT is on the minus strand). VCF-style: chr3-49419152-C-T. GRCh37 (hg19) VCF-style: chr3-49456585-C-T.
Other names: c.529-1G>A (NM_001164711.2); c.565-1G>A (NM_001164710.2); c.697-1G>A (NM_001164712.2, NM_000481.3).
Identifiers: ClinVar variation 2196863 (VCV002196863.6), dbSNP rs2471150599, ClinGen allele CA352790031.

ClinVar aggregate classification (germline): Likely pathogenic. Review status: criteria provided, multiple submitters, no conflicts (2 of 4 stars). 3 submissions from 3 submitters: Likely pathogenic (3). Last evaluated 2025-12-29.

Conditions:
Glycine encephalopathy 2 (GCE2). Identifiers: MedGen C5830559, MONDO:0958192, OMIM 620398.
Glycine encephalopathy. Also called: Nonketotic hyperglycinemia; Non-ketotic hyperglycinemia. Identifiers: Orphanet 407, MedGen C0751748, MONDO:0011612, HP:0008288.

Submissions (3):

Natera, Inc.
Classification: Likely pathogenic for Non-ketotic hyperglycinemia. Last evaluated: 2025-12-29. Review status: criteria provided, single submitter. Criteria: Natera Variant Classification Schema (03/2026). Collection method: clinical testing. Allele origin: germline.
Comment: The c.697-1G>A variant in AMT is a canonical splice acceptor site variant predicted to affect pre-mRNA splicing, which may result in an abnormal transcript and altered protein product. This variant is expected to result in nonsense mediated decay, truncation, or a dysfunctional protein product. This variant is rare in the general population with a frequency below the threshold expected for the associated phenotype(s). Given the available evidence, this variant is classified as Likely Pathogenic.

Fulgent Genetics
Classification: Likely pathogenic for Glycine encephalopathy 2. Last evaluated: 2024-05-08. Review status: criteria provided, single submitter. Criteria: ACMG Guidelines, 2015. Collection method: clinical testing. Allele origin: germline.

Labcorp Genetics (formerly Invitae), Labcorp
Classification: Likely pathogenic for Glycine encephalopathy. Last evaluated: 2022-03-05. Review status: criteria provided, single submitter. Criteria: Invitae Variant Classification Sherloc (09022015). Collection method: clinical testing. Allele origin: germline.
Comment: This variant has not been reported in the literature in individuals affected with AMT-related conditions. In summary, the currently available evidence indicates that the variant is pathogenic, but additional data are needed to prove that conclusively. Therefore, this variant has been classified as Likely Pathogenic. Algorithms developed to predict the effect of sequence changes on RNA splicing suggest that this variant may disrupt the consensus splice site. This variant is not present in population databases (gnomAD no frequency). This sequence change affects an acceptor splice site in intron 6 of the AMT gene. It is expected to disrupt RNA splicing. Variants that disrupt the donor or acceptor splice site typically lead to a loss of protein function (PMID: 16199547), and loss-of-function variants in AMT are known to be pathogenic (PMID: 16450403).

Literature cited by the submitters: PubMed 16199547 (cited by Labcorp Genetics (formerly Invitae), Labcorp); PubMed 16450403 (cited by Labcorp Genetics (formerly Invitae), Labcorp).